The following is an entry in ClinVar:

ClinVar aggregate classification (germline): Uncertain significance (1 of 4 stars; one submission).

gnomAD v4.1: 2 of 1,614,102 alleles (0.00012%); highest among the groups gnomAD compares: Non-Finnish European, 0.00017%; no homozygotes.

Submission:

Ambry Genetics
Classification: Uncertain significance. Last evaluated: 2025-03-18. Review status: criteria provided, single submitter. Criteria: Ambry Variant Classification Scheme 2023. Collection method: clinical testing. Allele origin: germline.
Comment: The p.E145G variant (also known as c.434A>G), located in coding exon 4 of the SRP72 gene, results from an A to G substitution at nucleotide position 434. The glutamic acid at codon 145 is replaced by glycine, an amino acid with similar properties. This amino acid position is conserved. In addition, the in silico prediction for this alteration is inconclusive. Based on the available evidence, the clinical significance of this variant remains unclear.

NM_006947.4(SRP72):c.434A>G (p.Glu145Gly)

Gene: SRP72 (signal recognition particle 72; plus strand). Cytogenetic location: 4q12.
Variant type: single nucleotide variant.
Coding change: c.434A>G on transcript NM_006947.4 (MANE Select); coding-DNA position 434, A replaced by G.
Protein change: p.Glu145Gly; replaces glutamic acid 145 with glycine.
Molecular consequence: missense variant. On other transcripts: non-coding transcript variant (1).
Genome position (GRCh38, 1-based): chr4:56,474,133, A>G. VCF-style: chr4-56474133-A-G. GRCh37 (hg19) VCF-style: chr4-57340299-A-G.
Other names: c.434A>G, p.Glu145Gly (NM_001267722.2); short protein forms E145G.
Identifiers: ClinVar variation 3962030 (VCV003962030.1).